The following is an entry in ClinVar:

NM_016122.3(CEP83):c.1357C>T (p.Gln453Ter)

Gene: CEP83 (centrosomal protein 83; minus strand). Cytogenetic location: 12q22.
Variant type: single nucleotide variant.
Coding change: c.1357C>T on transcript NM_016122.3 (MANE Select); coding-DNA position 1357, C replaced by T.
Protein change: p.Gln453Ter; replaces glutamine 453 with a stop codon.
Molecular consequence: nonsense. On other transcripts: non-coding transcript variant (2).
Genome position (GRCh38, 1-based): chr12:94,335,651, G>A on the plus strand (C>T on the coding strand, the complement: CEP83 is on the minus strand). VCF-style: chr12-94335651-G-A. GRCh37 (hg19) VCF-style: chr12-94729427-G-A.
Other names: c.1357C>T, p.Gln453Ter (NM_001042399.2, NM_001346457.2, NM_001368037.1 and 1 more transcripts); c.1045C>T, p.Gln349Ter (NM_001346458.2, NM_001346459.2, NM_001368039.1 and 1 more transcripts); c.1132C>T, p.Gln378Ter (NM_001368041.1); short protein forms Q453*, Q349*, Q378*.
Identifiers: ClinVar variation 4996440 (VCV004996440.1).
Genomic context (GRCh38, chr12:94,335,651, plus strand): 5'-GTTTTAGGTCAGAATTTTCATTTTTTTCCTTCTCTGCATTTTCAATAGTCACAATTTGTT[G>A]CTGAAGTTTTAACCTAAAAATCACAACCCAACAAAAGGCATTATTAAGAATCCATGATTC-3'

ClinVar aggregate classification (germline): Likely pathogenic (1 of 4 stars; one submission).

Conditions:
CEP83-related disorder. Also called: CEP83-related condition.

gnomAD v4.1: 1 of 1,581,476 alleles (0.000063%); highest among the groups gnomAD compares: Non-Finnish European, 0.000086%; no homozygotes.

Submission:

PreventionGenetics, part of Exact Sciences
Classification: Likely pathogenic for CEP83-related condition. Last evaluated: 2026-03-05. Review status: criteria provided, single submitter. Criteria: ACMG Guidelines, 2015. Collection method: clinical testing. Allele origin: germline.
Comment: The CEP83 c.1357C>T variant is predicted to result in premature protein termination (p.Gln453*). To our knowledge, this variant has not been reported in the literature or in a large population database (gnomAD), indicating this variant is rare. Nonsense variants in CEP83 are expected to be pathogenic. This variant is interpreted as likely pathogenic.